The following is an entry in ClinVar:

NM_000179.3(MSH6):c.3572T>C (p.Phe1191Ser)

Gene: MSH6 (mutS homolog 6; plus strand). Cytogenetic location: 2p16.3.
Variant type: single nucleotide variant.
Coding change: c.3572T>C on transcript NM_000179.3 (MANE Select); coding-DNA position 3572, T replaced by C.
Protein change: p.Phe1191Ser; replaces phenylalanine 1191 with serine.
Molecular consequence: missense variant.
Genome position (GRCh38, 1-based): chr2:47,805,633, T>C. VCF-style: chr2-47805633-T-C. GRCh37 (hg19) VCF-style: chr2-48032772-T-C.
Other names: c.3182T>C, p.Phe1061Ser (NM_001281492.2); c.2666T>C, p.Phe889Ser (NM_001281493.2, NM_001281494.2); short protein forms F1061S, F889S, F1191S.
Identifiers: ClinVar variation 823945 (VCV000823945.14), dbSNP rs1420669902, ClinGen allele CA346760488.

ClinVar aggregate classification (germline): Uncertain significance. Review status: criteria provided, multiple submitters, no conflicts (2 of 4 stars). 2 submissions from 2 submitters: Uncertain significance (2). Last evaluated 2020-12-04.

Conditions:
Hereditary cancer-predisposing syndrome. Also called: Neoplastic Syndromes, Hereditary; Tumor predisposition; Hereditary neoplastic syndrome; Hereditary Cancer Syndrome. Identifiers: Orphanet 140162, MedGen C0027672, MeSH D009386, MONDO:0015356.
Hereditary nonpolyposis colorectal neoplasms. Identifiers: MedGen C0009405, MeSH D003123.

Allele frequency attached by ClinVar (database versions not stated): gnomAD exomes below 0.00001.
gnomAD v4.1: 1 of 1,613,230 alleles (0.000062%); highest among the groups gnomAD compares: South Asian, 0.0011%; no homozygotes.

Submissions (2):

Labcorp Genetics (formerly Invitae), Labcorp
Classification: Uncertain significance for Hereditary nonpolyposis colorectal neoplasms. Last evaluated: 2020-12-04. Review status: criteria provided, single submitter. Criteria: Invitae Variant Classification Sherloc (09022015). Collection method: clinical testing. Allele origin: germline.
Comment: This sequence change replaces phenylalanine with serine at codon 1191 of the MSH6 protein (p.Phe1191Ser). The phenylalanine residue is highly conserved and there is a large physicochemical difference between phenylalanine and serine. This variant has not been reported in the literature in individuals with MSH6-related conditions. This variant is not present in population databases (ExAC no frequency). In summary, the available evidence is currently insufficient to determine the role of this variant in disease. Therefore, it has been classified as a Variant of Uncertain Significance. Algorithms developed to predict the effect of missense changes on protein structure and function (SIFT, PolyPhen-2, Align-GVGD) all suggest that this variant is likely to be disruptive, but these predictions have not been confirmed by published functional studies and their clinical significance is uncertain.

Ambry Genetics
Classification: Uncertain significance for Hereditary cancer-predisposing syndrome. Last evaluated: 2019-08-15. Review status: criteria provided, single submitter. Criteria: Ambry Variant Classification Scheme 2023. Collection method: clinical testing. Allele origin: germline.
Comment: The p.F1191S variant (also known as c.3572T>C), located in coding exon 7 of the MSH6 gene, results from a T to C substitution at nucleotide position 3572. The phenylalanine at codon 1191 is replaced by serine, an amino acid with highly dissimilar properties. This amino acid position is highly conserved in available vertebrate species. In addition, this alteration is predicted to be deleterious by in silico analysis. Since supporting evidence is limited at this time, the clinical significance of this alteration remains unclear.